The following is an entry in ClinVar:

ClinVar aggregate classification (germline): Pathogenic (1 of 4 stars; one submission).

Conditions:
Menkes kinky-hair syndrome (MNK). Also called: Menkes Disease; Copper transport disease; Classic Menkes Disease. Identifiers: Orphanet 565, MedGen C0022716, MONDO:0010651, OMIM 309400.
Cutis laxa, X-linked (OHS). Also called: EDS IX; Occipital horn syndrome. Identifiers: Orphanet 198, MedGen C0268353, MONDO:0010572, OMIM 304150.
X-linked distal spinal muscular atrophy type 3. Also called: ATP7A-Related Distal Motor Neuropathy; SPINAL MUSCULAR ATROPHY, DISTAL, X-LINKED RECESSIVE; NEURONOPATHY, DISTAL HEREDITARY MOTOR, X-LINKED; NEUROPATHY, DISTAL HEREDITARY MOTOR, X-LINKED. Identifiers: Orphanet 139557, MedGen C1845359, MONDO:0010338, OMIM 300489.

Submission:

Labcorp Genetics (formerly Invitae), Labcorp
Classification: Pathogenic for X-linked distal spinal muscular atrophy type 3; Cutis laxa, X-linked; Menkes kinky-hair syndrome. Last evaluated: 2025-05-22. Review status: criteria provided, single submitter. Criteria: Invitae Variant Classification Sherloc (09022015). Collection method: clinical testing. Allele origin: germline.
Comment: This sequence change creates a premature translational stop signal (p.Glu296*) in the ATP7A gene. It is expected to result in an absent or disrupted protein product. Loss-of-function variants in ATP7A are known to be pathogenic (PMID: 11241493, 20652413). This variant is not present in population databases (gnomAD no frequency). This variant has not been reported in the literature in individuals affected with ATP7A-related conditions. For these reasons, this variant has been classified as Pathogenic.

Literature cited by the submitters: PubMed 11241493; PubMed 20652413.

NM_000052.7(ATP7A):c.886G>T (p.Glu296Ter)

Gene: ATP7A (ATPase copper transporting alpha; plus strand). Cytogenetic location: Xq21.1.
Variant type: single nucleotide variant.
Coding change: c.886G>T on transcript NM_000052.7 (MANE Select); coding-DNA position 886, G replaced by T.
Protein change: p.Glu296Ter; replaces glutamic acid 296 with a stop codon.
Molecular consequence: nonsense.
Genome position (GRCh38, 1-based): chrX:77,989,508, G>T. VCF-style: chrX-77989508-G-T. GRCh37 (hg19) VCF-style: chrX-77245004-G-T.
Other names: c.886G>T, p.Glu296Ter (NM_001282224.2); short protein forms E296*.
Identifiers: ClinVar variation 4785087 (VCV004785087.1).
Genomic context (GRCh38, chrX:77,989,508, plus strand): 5'-GATTCAACAGCCACTTTCATCATTGATGGCATGCATTGTAAATCATGTGTGTCAAATATT[G>T]AAAGTACTTTATCTGCACTCCAATATGTAAGCAGCATAGTAGTTTCTTTAGAGAATAGGT-3'